The following is an entry in ClinVar:

ClinVar aggregate classification (germline): Uncertain significance (1 of 4 stars; one submission).

Submission:

Labcorp Genetics (formerly Invitae), Labcorp
Classification: Uncertain significance. Last evaluated: 2025-12-28. Review status: criteria provided, single submitter. Criteria: Invitae Variant Classification Sherloc (09022015). Collection method: clinical testing. Allele origin: germline.
Comment: This variant, c.6838_6843del, results in the deletion of 2 amino acid(s) of the PCLO protein (p.Lys2280_Pro2281del), but otherwise preserves the integrity of the reading frame. This variant is not present in population databases (gnomAD no frequency). This variant has not been reported in the literature in individuals affected with PCLO-related conditions. Experimental studies and prediction algorithms are not available or were not evaluated, and the functional significance of this variant is currently unknown. In summary, the available evidence is currently insufficient to determine the role of this variant in disease. Therefore, it has been classified as a Variant of Uncertain Significance.

NM_033026.6(PCLO):c.6838_6843del (p.Lys2280_Pro2281del)

Gene: PCLO (piccolo presynaptic cytomatrix protein; minus strand). Cytogenetic location: 7q21.11.
Variant type: Deletion.
Coding change: c.6838_6843del on transcript NM_033026.6 (MANE Select); coding-DNA positions 6838 to 6843, 6 bases deleted (AAACCT; older notation c.6838_6843delAAACCT).
Protein change: p.Lys2280_Pro2281del.
Genome position (GRCh38, 1-based): chr7:82,954,110-82,954,115, AGGTTT deleted on the plus strand (AAACCT on the coding strand, the reverse complement: PCLO is on the minus strand); deleting any 6 consecutive bases within chr7:82,954,110-82,954,119 gives the same sequence; the c. name uses the placement nearest the transcript's 3' end. VCF-style (leftmost placement, unchanged base first): chr7-82954109-CAGGTTT-C. GRCh37 (hg19) VCF-style: chr7-82583425-CAGGTTT-C.
Other names: c.6838_6843del, p.Lys2280_Pro2281del (NM_014510.3).
Identifiers: ClinVar variation 4807497 (VCV004807497.1).